The following is an entry in ClinVar:

NM_000719.7(CACNA1C):c.6117+206G>A

Genes: CACNA1C (calcium voltage-gated channel subunit alpha1 C; plus strand), CACNA1C-AS1 (CACNA1C antisense RNA 1; minus strand). Cytogenetic location: 12p13.33.
Variant type: single nucleotide variant.
Coding change: c.6117+206G>A on transcript NM_000719.7 (MANE Select); 206 bases into the intron after coding-DNA position 6117, G replaced by A.
Molecular consequence: intron variant.
Genome position (GRCh38, 1-based): chr12:2,688,985, G>A. VCF-style: chr12-2688985-G-A. GRCh37 (hg19) VCF-style: chr12-2798151-G-A.
Other names: c.6222+206G>A (NM_001167624.3, NM_001129830.3); c.6117+206G>A (NM_001167623.2, NM_001129840.2, NM_001129842.2 and 2 more transcripts); c.6297+206G>A (NM_001167625.2); c.6366+206G>A (NM_199460.4); c.6261+206G>A (NM_001129827.2); c.6177+206G>A (NM_001129832.2); c.6201+206G>A (NM_001129831.2); c.6174+206G>A (NM_001129833.2, NM_001129834.2, NM_001129835.2); and 6 more.
Identifiers: ClinVar variation 671813 (VCV000671813.5), dbSNP rs7956107, ClinGen allele CA231618342.

ClinVar aggregate classification (germline): Benign. Review status: criteria provided, multiple submitters, no conflicts (2 of 4 stars). 2 submissions from 2 submitters: Benign (2). Last evaluated 2019-12-31.

Conditions:
Long QT syndrome (LQTS). Identifiers: MedGen C0023976, MeSH D008133, MONDO:0002442. Disease mechanism: loss of function. Inheritance: Various modes of inheritance.

Allele frequency attached by ClinVar (database versions not stated): TOPMed 0.90977; 1000 Genomes Project 30x 0.91537; gnomAD 0.91563 and 0.92155; 1000 Genomes Project 0.92113.
gnomAD v4.1: 140,377 of 152,222 alleles (92%); highest among the groups gnomAD compares: East Asian, 100%; 65,780 homozygotes.

Submissions (2):

Labcorp Genetics (formerly Invitae), Labcorp
Classification: Benign for Long QT syndrome. Last evaluated: 2019-12-31. Review status: criteria provided, single submitter. Criteria: Invitae Variant Classification Sherloc (09022015). Collection method: clinical testing. Allele origin: germline.

GeneDx
Classification: Benign. Last evaluated: 2018-06-14. Review status: criteria provided, single submitter. Criteria: GeneDx Variant Classification (06012015). Collection method: clinical testing. Allele origin: germline. Affected: yes.
Comment: This variant is considered likely benign or benign based on one or more of the following criteria: it is a conservative change, it occurs at a poorly conserved position in the protein, it is predicted to be benign by multiple in silico algorithms, and/or has population frequency not consistent with disease.